The following is an entry in ClinVar:

ClinVar aggregate classification (germline): Benign/Likely benign. Review status: criteria provided, multiple submitters, no conflicts (2 of 4 stars). 4 submissions from 4 submitters: Benign (3); Likely benign (1). Last evaluated 2026-02-03.

Conditions:
Inborn genetic diseases. Identifiers: MedGen C0950123, MeSH D030342.
Early-infantile DEE. Also called: Ohtahara syndrome; Early infantile epileptic encephalopathy; Early infantile epileptic encephalopathy with suppression bursts. Identifiers: Orphanet 1934, MedGen C0393706, MONDO:0800491.

Allele frequency attached by ClinVar (database versions not stated): gnomAD 0.00001; TOPMed 0.00005; gnomAD exomes 0.00008 and 0.00018; ExAC 0.00016.
gnomAD v4.1: 50 of 1,613,736 alleles (0.0031%); highest among the groups gnomAD compares: Admixed American, 0.08%; no homozygotes.

Submissions (4):

Labcorp Genetics (formerly Invitae), Labcorp
Classification: Benign for Early-infantile DEE. Last evaluated: 2026-02-03. Review status: criteria provided, single submitter. Criteria: Invitae Variant Classification Sherloc (09022015). Collection method: clinical testing. Allele origin: germline.

Athena Diagnostics
Classification: Benign. Last evaluated: 2024-12-09. Review status: criteria provided, single submitter. Criteria: Athena Diagnostics Criteria. Collection method: clinical testing. Allele origin: unknown.
Comment: The frequency of this variant in the general population is higher than would generally be expected for pathogenic variants in this gene. Computational tools yielded predictions that this variant is unlikely to have an effect on normal RNA splicing. This nucleotide position exhibits low evolutionary conservation.

Ambry Genetics
Classification: Likely benign for Inborn genetic diseases. Last evaluated: 2018-05-01. Review status: criteria provided, single submitter. Criteria: Ambry Variant Classification Scheme 2023. Collection method: clinical testing. Allele origin: germline.

GeneDx
Classification: Benign. Last evaluated: 2014-10-24. Review status: criteria provided, single submitter. Criteria: GeneDx Variant Classification (06012015). Collection method: clinical testing. Allele origin: germline. Affected: yes.
Comment: This variant is considered likely benign or benign based on one or more of the following criteria: it is a conservative change, it occurs at a poorly conserved position in the protein, it is predicted to be benign by multiple in silico algorithms, and/or has population frequency not consistent with disease.

NM_172107.4(KCNQ2):c.804C>T (p.Leu268=)

Gene: KCNQ2 (potassium voltage-gated channel subfamily Q member 2; minus strand). Cytogenetic location: 20q13.33.
Variant type: single nucleotide variant.
Coding change: c.804C>T on transcript NM_172107.4 (MANE Select); coding-DNA position 804, C replaced by T.
Protein change: p.Leu268=; no amino-acid change (leucine 268 retained).
Molecular consequence: synonymous variant.
Genome position (GRCh38, 1-based): chr20:63,442,418, G>A on the plus strand (C>T on the coding strand, the complement: KCNQ2 is on the minus strand). VCF-style: chr20-63442418-G-A. GRCh37 (hg19) VCF-style: chr20-62073771-G-A.
Other names: p.L268L:CTC>CTT; c.804C>T, p.Leu268= (NM_004518.6, NM_172106.3, NM_172108.5 and 1 more transcripts); c.804C>T (NM_172107.3).
Identifiers: ClinVar variation 205831 (VCV000205831.15), dbSNP rs775450377, ClinGen allele CA315289.
Genomic context (GRCh38, chr20:63,442,418, plus strand): 5'-AGGGGTGTATCAGCAGGGAAAGGGAAAACCACAATGACCACAACTCACCAGGCCCCACCA[G>A]AGTGCATCCGCGTAGGTGTCAAAGTGGTCGTTCTCCCCCTTCTCTGCCAAGTACACCAGG-3'
Protein context (NP_742105.1, residues 258-278): NDHFDTYADA[Leu268=]WWGLITLTTI